The following is an entry in ClinVar:

ClinVar aggregate classification (germline): Uncertain significance (1 of 4 stars; one submission).

Submission:

Labcorp Genetics (formerly Invitae), Labcorp
Classification: Uncertain significance. Last evaluated: 2022-10-13. Review status: criteria provided, single submitter. Criteria: Invitae Variant Classification Sherloc (09022015). Collection method: clinical testing. Allele origin: germline.
Comment: This variant results in a copy number gain of the genomic region encompassing exon(s) 15-19 of the MTTP gene. This region includes the termination codon of the gene. This copy number gain extends beyond the assayed region for this gene and therefore may encompass additional genes. As the precise location of this event is unknown, it may be in tandem or it may be located elsewhere in the genome. This variant has not been reported in the literature in individuals affected with MTTP-related conditions. In summary, the available evidence is currently insufficient to determine the role of this variant in disease. Therefore, it has been classified as a Variant of Uncertain Significance.

NC_000004.11:g.(?_100532469)_(100544005_?)dup

Gene: MTTP (microsomal triglyceride transfer protein; plus strand). Cytogenetic location: 4q23.
Variant type: Duplication.
Identifiers: ClinVar variation 1062388 (VCV001062388.2).